The following is an entry in ClinVar:

ClinVar aggregate classification (germline): Conflicting classifications of pathogenicity. Review status: criteria provided, conflicting classifications (1 of 4 stars). 4 submissions from 4 submitters: Uncertain significance (1); Likely benign (3). Last evaluated 2026-01-25.

Conditions:
Severe combined immunodeficiency due to DNA-PKcs deficiency. Also called: IMMUNODEFICIENCY 26 WITH NEUROLOGIC ABNORMALITIES; Immunodeficiency 26 with or without neurologic abnormalities. Identifiers: Orphanet 317425, MedGen C4014833, MONDO:0014423, OMIM 615966.

Allele frequency attached by ClinVar (database versions not stated): gnomAD 0.00016 and 0.00039; ESP Exome Variant Server 0.00017; TOPMed 0.00023; gnomAD exomes 0.00045 and 0.00082; ExAC 0.00140; 1000 Genomes Project 30x 0.00156; 1000 Genomes Project 0.00180.
gnomAD v4.1: 718 of 1,590,322 alleles (0.045%); highest among the groups gnomAD compares: South Asian, 0.64%; 9 homozygotes.

Submissions (4):

Labcorp Genetics (formerly Invitae), Labcorp
Classification: Likely benign for Severe combined immunodeficiency due to DNA-PKcs deficiency. Last evaluated: 2026-01-25. Review status: criteria provided, single submitter. Criteria: Invitae Variant Classification Sherloc (09022015). Collection method: clinical testing. Allele origin: germline.

CeGaT Center for Human Genetics Tuebingen
Classification: Likely benign. Last evaluated: 2025-02-01. Review status: criteria provided, single submitter. Criteria: CeGaT Center For Human Genetics Tuebingen Variant Classification Criteria Version 2. Collection method: clinical testing. Allele origin: germline. Affected: yes. Observed: 1 variant allele.
Comment: PRKDC: BP4, BS1

Blueprint Genetics
Classification: Likely benign. Last evaluated: 2024-11-18. Review status: criteria provided, single submitter. Criteria: ACMG Guidelines, 2015. Collection method: clinical testing. Allele origin: germline.

Center for Genomics, Ann and Robert H. Lurie Children's Hospital of Chicago
Classification: Uncertain significance for Severe combined immunodeficiency due to DNA-PKcs deficiency. Last evaluated: 2022-01-30. Review status: criteria provided, single submitter. Criteria: ACMG Guidelines, 2015. Collection method: clinical testing. Allele origin: germline.
Comment: PRKDC NM_006904.6 exon 32 p.Ser1300Gly (c.3898A>G): This variant has not been reported in the literature but is present in 0.5% (141/26640) of South Asian alleles including 2 homozygotes in the Genome Aggregation Database. This variant is present in ClinVar (Variation ID:790839). Evolutionary conservation and computational predictive tools suggest that this variant may not impact the protein. In summary, data on this variant is insufficient for disease classification. Therefore, the clinical significance of this variant is uncertain.

NM_006904.7(PRKDC):c.3898A>G (p.Ser1300Gly)

Gene: PRKDC (protein kinase, DNA-activated, catalytic subunit; minus strand). Cytogenetic location: 8q11.21.
Variant type: single nucleotide variant.
Coding change: c.3898A>G on transcript NM_006904.7 (MANE Select); coding-DNA position 3898, A replaced by G.
Protein change: p.Ser1300Gly; replaces serine 1300 with glycine.
Molecular consequence: missense variant.
Genome position (GRCh38, 1-based): chr8:47,890,430, T>C on the plus strand (A>G on the coding strand, the complement: PRKDC is on the minus strand). VCF-style: chr8-47890430-T-C. GRCh37 (hg19) VCF-style: chr8-48802991-T-C.
Other names: c.3898A>G, p.Ser1300Gly (NM_001081640.2); short protein forms S1300G.
Identifiers: ClinVar variation 790839 (VCV000790839.26), dbSNP rs368949953, ClinGen allele CA4741057.